The following is an entry in ClinVar:

NM_003859.3(DPM1):c.46G>A (p.Glu16Lys)

Genes: DPM1 (dolichyl-phosphate mannosyltransferase subunit 1, catalytic; minus strand), LOC130066166 (ATAC-STARR-seq lymphoblastoid active region 18108; plus strand). Cytogenetic location: 20q13.13.
Variant type: single nucleotide variant.
Coding change: c.46G>A on transcript NM_003859.3 (MANE Select); coding-DNA position 46, G replaced by A.
Protein change: p.Glu16Lys; replaces glutamic acid 16 with lysine.
Molecular consequence: missense variant. On other transcripts: non-coding transcript variant (1).
Genome position (GRCh38, 1-based): chr20:50,958,478, C>T on the plus strand (G>A on the coding strand, the complement: DPM1 is on the minus strand). VCF-style: chr20-50958478-C-T. GRCh37 (hg19) VCF-style: chr20-49575015-C-T.
Other names: c.46G>A, p.Glu16Lys (NM_001317034.1, NM_001317035.1, NM_001317036.1); short protein forms E16K.
Identifiers: ClinVar variation 2014037 (VCV002014037.4), dbSNP rs754001081, ClinGen allele CA408981136.

ClinVar aggregate classification (germline): Uncertain significance (1 of 4 stars; one submission).

Conditions:
Congenital disorder of glycosylation type 1E (CDG1E). Also called: CONGENITAL DISORDER OF GLYCOSYLATION, TYPE Ie; CDG Ie. Identifiers: Orphanet 79322, MedGen C1837396, MONDO:0012123, OMIM 608799.

Submission:

Labcorp Genetics (formerly Invitae), Labcorp
Classification: Uncertain significance for Congenital disorder of glycosylation type 1E. Last evaluated: 2022-09-13. Review status: criteria provided, single submitter. Criteria: Invitae Variant Classification Sherloc (09022015). Collection method: clinical testing. Allele origin: germline.
Comment: In summary, the available evidence is currently insufficient to determine the role of this variant in disease. Therefore, it has been classified as a Variant of Uncertain Significance. Algorithms developed to predict the effect of missense changes on protein structure and function are either unavailable or do not agree on the potential impact of this missense change (SIFT: "Tolerated"; PolyPhen-2: "Not Available"; Align-GVGD: "Class C0"). This variant has not been reported in the literature in individuals affected with DPM1-related conditions. This variant is not present in population databases (gnomAD no frequency). This sequence change replaces glutamic acid, which is acidic and polar, with lysine, which is basic and polar, at codon 16 of the DPM1 protein (p.Glu16Lys).